The following is an entry in ClinVar:

NM_198253.3(TERT):c.653C>G (p.Ala218Gly)

Gene: TERT (telomerase reverse transcriptase; minus strand). Cytogenetic location: 5p15.33.
Variant type: single nucleotide variant.
Coding change: c.653C>G on transcript NM_198253.3 (MANE Select); coding-DNA position 653, C replaced by G.
Protein change: p.Ala218Gly; replaces alanine 218 with glycine.
Molecular consequence: missense variant. On other transcripts: non-coding transcript variant (2).
Genome position (GRCh38, 1-based): chr5:1,294,233, G>C on the plus strand (C>G on the coding strand, the complement: TERT is on the minus strand). VCF-style: chr5-1294233-G-C. GRCh37 (hg19) VCF-style: chr5-1294348-G-C.
Other names: c.653C>G, p.Ala218Gly (NM_001193376.3); short protein forms A218G.
Identifiers: ClinVar variation 1368658 (VCV001368658.8), dbSNP rs1751222229, ClinGen allele CA359057096.

ClinVar aggregate classification (germline): Uncertain significance (1 of 4 stars; one submission).

Conditions:
Idiopathic Pulmonary Fibrosis. Also called: Idiopathic fibrosing alveolitis, chronic form; idiopathic fibrosing alveolitis. Identifiers: Orphanet 2032, MedGen C1800706, MeSH D054990, MONDO:0800504.
Dyskeratosis congenita, autosomal dominant 2. Identifiers: MedGen C3151443, MONDO:0013521, OMIM 613989.

Submission:

Labcorp Genetics (formerly Invitae), Labcorp
Classification: Uncertain significance for Dyskeratosis congenita, autosomal dominant 2; Idiopathic Pulmonary Fibrosis. Last evaluated: 2021-07-20. Review status: criteria provided, single submitter. Criteria: Invitae Variant Classification Sherloc (09022015). Collection method: clinical testing. Allele origin: germline.
Comment: This variant is not present in population databases (ExAC no frequency). This variant has not been reported in the literature in individuals affected with TERT-related conditions. Advanced modeling of protein sequence and biophysical properties (such as structural, functional, and spatial information, amino acid conservation, physicochemical variation, residue mobility, and thermodynamic stability) performed at Invitae indicates that this missense variant is not expected to disrupt TERT protein function. In summary, the available evidence is currently insufficient to determine the role of this variant in disease. Therefore, it has been classified as a Variant of Uncertain Significance. This sequence change replaces alanine with glycine at codon 218 of the TERT protein (p.Ala218Gly). The alanine residue is weakly conserved and there is a small physicochemical difference between alanine and glycine.